The following is an entry in ClinVar:

ClinVar aggregate classification (germline): Uncertain significance (1 of 4 stars; one submission).

Conditions:
Hereditary pancreatitis (PCTT). Also called: Hereditary chronic pancreatitis; PRSS1-Related Hereditary Pancreatitis. Identifiers: Orphanet 676, MedGen C0238339, MONDO:0008185, OMIM 167800.
Congenital bilateral aplasia of vas deferens from CFTR mutation (CBAVD). Identifiers: Orphanet 48, MedGen C0403814, MONDO:0010178, OMIM 277180. Disease mechanism: loss of function.
Cystic fibrosis (CF). Also called: MUCOVISCIDOSIS. Identifiers: Orphanet 586, MedGen C0010674, MONDO:0009061, OMIM 219700. Disease mechanism: loss of function.
Bronchiectasis with or without elevated sweat chloride 1 (BESC1). Also called: Cystic Fibrosis-Like Syndrome. Identifiers: Orphanet 60033, MedGen C2749757, MONDO:0008887, OMIM 211400.

Submission:

Juno Genomics, Hangzhou Juno Genomics, Inc
Classification: Uncertain significance for Bronchiectasis with or without elevated sweat chloride 1; Hereditary pancreatitis; Congenital bilateral aplasia of vas deferens from CFTR mutation; Cystic fibrosis. Review status: criteria provided, single submitter. Criteria: ACMG Guidelines, 2015. Collection method: clinical testing. Allele origin: germline.
Comment: Absent from controls (or at extremely low frequency if recessive) in Genome Aggregation Database.;Multiple lines of computational evidence support a deleterious effect on the gene or gene product.;Novel missense change at an amino acid residue where a different missense change determined to be pathogenic has been seen before.

NM_000492.4(CFTR):c.3253C>T (p.His1085Tyr)

Genes: CFTR (CF transmembrane conductance regulator; plus strand), CFTR-AS2 (CFTR antisense RNA 2; minus strand), LOC111674472 (DNase I hypersensitive sites in introns 16 and 17a of CFTR; plus strand). Cytogenetic location: 7q31.2.
Variant type: single nucleotide variant.
Coding change: c.3253C>T on transcript NM_000492.4 (MANE Select); coding-DNA position 3253, C replaced by T.
Protein change: p.His1085Tyr; replaces histidine 1085 with tyrosine.
Molecular consequence: missense variant.
Genome position (GRCh38, 1-based): chr7:117,611,694, C>T. VCF-style: chr7-117611694-C-T. GRCh37 (hg19) VCF-style: chr7-117251748-C-T.
Other names: short protein forms H1085Y.
Identifiers: ClinVar variation 5007145 (VCV005007145.2).